The following is an entry in ClinVar:

ClinVar aggregate classification (germline): Pathogenic. Review status: criteria provided, single submitter (1 of 4 stars). 2 submissions from 2 submitters: Pathogenic (1). 1 of the submissions does not count toward it. Last evaluated 2021-05-04.

Conditions:
Deficiency of steroid 11-beta-monooxygenase (CYP11B1). Also called: ADRENAL HYPERPLASIA, CONGENITAL, DUE TO STEROID 11-BETA-HYDROXYLASE DEFICIENCY; 11-BETA-HYDROXYLASE DEFICIENCY; Congenital adrenal hyperplasia due to 11-beta-hydroxylase deficiency; P450C11B1 DEFICIENCY; STEROID 11-BETA-HYDROXYLASE DEFICIENCY; ADRENAL HYPERPLASIA IV. Identifiers: Orphanet 90795, MedGen C0268292, MONDO:0008729, OMIM 202010. Disease mechanism: loss of function.

Submissions (2):

Labcorp Genetics (formerly Invitae), Labcorp
Classification: Pathogenic. Last evaluated: 2021-05-04. Review status: criteria provided, single submitter. Criteria: Invitae Variant Classification Sherloc (09022015). Collection method: clinical testing. Allele origin: germline.
Comment: For these reasons, this variant has been classified as Pathogenic. This variant has not been reported in the literature in individuals with CYP11B1-related conditions. ClinVar contains an entry for this variant (Variation ID: 558153). This variant is not present in population databases (ExAC no frequency). This sequence change creates a premature translational stop signal (p.Trp15*) in the CYP11B1 gene. It is expected to result in an absent or disrupted protein product. Loss-of-function variants in CYP11B1 are known to be pathogenic (PMID: 8506298, 26476331).

Counsyl
Classification: Likely pathogenic for Deficiency of steroid 11-beta-monooxygenase. Last evaluated: 2018-05-02. Review status: no assertion criteria provided. Collection method: clinical testing. Allele origin: unknown. Not counted in ClinVar's aggregate classification.

Literature cited by the submitters: PubMed 8506298 (cited by Labcorp Genetics (formerly Invitae), Labcorp); PubMed 26476331 (cited by Labcorp Genetics (formerly Invitae), Labcorp).

NM_000497.4(CYP11B1):c.45G>A (p.Trp15Ter)

Genes: CYP11B1 (cytochrome P450 family 11 subfamily B member 1; minus strand), LOC110673972 (CYP11B1 promoter; plus strand). Cytogenetic location: 8q24.3.
Variant type: single nucleotide variant.
Coding change: c.45G>A on transcript NM_000497.4 (MANE Select); coding-DNA position 45, G replaced by A.
Protein change: p.Trp15Ter; replaces tryptophan 15 with a stop codon.
Molecular consequence: nonsense.
Genome position (GRCh38, 1-based): chr8:142,879,769, C>T on the plus strand (G>A on the coding strand, the complement: CYP11B1 is on the minus strand). VCF-style: chr8-142879769-C-T. GRCh37 (hg19) VCF-style: chr8-143961185-C-T.
Other names: c.45G>A, p.Trp15Ter (NM_001026213.1); short protein forms W15*.
Identifiers: ClinVar variation 558153 (VCV000558153.7), dbSNP rs1554653714, ClinGen allele CA372397447.